The following is an entry in ClinVar:

ClinVar aggregate classification (germline): Uncertain significance. Review status: criteria provided, multiple submitters, no conflicts (2 of 4 stars). 2 submissions from 2 submitters: Uncertain significance (2). Last evaluated 2025-06-17.

Conditions:
Inborn genetic diseases. Identifiers: MedGen C0950123, MeSH D030342.

gnomAD v4.1: 11 of 1,613,798 alleles (0.00068%); highest among the groups gnomAD compares: African/African-American, 0.008%; no homozygotes.

Submissions (2):

Labcorp Genetics (formerly Invitae), Labcorp
Classification: Uncertain significance. Last evaluated: 2025-06-17. Review status: criteria provided, single submitter. Criteria: Invitae Variant Classification Sherloc (09022015). Collection method: clinical testing. Allele origin: germline.
Comment: This sequence change replaces arginine, which is basic and polar, with glutamine, which is neutral and polar, at codon 1498 of the ANK1 protein (p.Arg1498Gln). This variant is present in population databases (rs563374940, gnomAD 0.02%). This variant has not been reported in the literature in individuals affected with ANK1-related conditions. ClinVar contains an entry for this variant (Variation ID: 3863364). Invitae Evidence Modeling of protein sequence and biophysical properties (such as structural, functional, and spatial information, amino acid conservation, physicochemical variation, residue mobility, and thermodynamic stability) indicates that this missense variant is not expected to disrupt ANK1 protein function with a negative predictive value of 80%. In summary, the available evidence is currently insufficient to determine the role of this variant in disease. Therefore, it has been classified as a Variant of Uncertain Significance.

Ambry Genetics
Classification: Uncertain significance for Inborn genetic diseases. Last evaluated: 2025-01-29. Review status: criteria provided, single submitter. Criteria: Ambry Variant Classification Scheme 2023. Collection method: clinical testing. Allele origin: germline.

NM_000037.4(ANK1):c.4493G>A (p.Arg1498Gln)

Genes: ANK1 (ankyrin 1; minus strand), LOC126860368 (BRD4-independent group 4 enhancer GRCh37_chr8:41541049-41542248; plus strand). Cytogenetic location: 8p11.21.
Variant type: single nucleotide variant.
Coding change: c.4493G>A on transcript NM_000037.4 (MANE Select); coding-DNA position 4493, G replaced by A.
Protein change: p.Arg1498Gln; replaces arginine 1498 with glutamine.
Molecular consequence: missense variant.
Genome position (GRCh38, 1-based): chr8:41,684,588, C>T on the plus strand (G>A on the coding strand, the complement: ANK1 is on the minus strand). VCF-style: chr8-41684588-C-T. GRCh37 (hg19) VCF-style: chr8-41542106-C-T.
Other names: c.4616G>A, p.Arg1539Gln (NM_001142446.2); c.4493G>A, p.Arg1498Gln (NM_020475.3, NM_020476.3, NM_020477.3); short protein forms R1498Q, R1539Q.
Identifiers: ClinVar variation 3863364 (VCV003863364.2).